The following is an entry in ClinVar:

NC_000003.11:g.(?_134225951)_(134251742_?)del

Gene: CEP63 (centrosomal protein 63; plus strand). Cytogenetic location: 3q22.2.
Variant type: Deletion.
Identifiers: ClinVar variation 2426929 (VCV002426929.3).

ClinVar aggregate classification (germline): Pathogenic (1 of 4 stars; one submission).

Submission:

Labcorp Genetics (formerly Invitae), Labcorp
Classification: Pathogenic. Last evaluated: 2022-06-28. Review status: criteria provided, single submitter. Criteria: Invitae Variant Classification Sherloc (09022015). Collection method: clinical testing. Allele origin: germline.
Comment: This variant is a gross deletion of the genomic region encompassing exon(s) 4-6 of the CEP63 gene. This deletion is out-of-frame, and is expected to create a premature termination codon and result in an absent or disrupted protein product. Loss-of-function variants in CEP63 are known to be pathogenic (PMID: 21983783, 23936128, 26158450). This variant has not been reported in the literature in individuals affected with CEP63-related conditions. For these reasons, this variant has been classified as Pathogenic.

Literature cited by the submitters: PubMed 21983783; PubMed 23936128; PubMed 26158450.